The following is an entry in ClinVar:

NM_001042492.3(NF1):c.8114-2A>G

Gene: NF1 (neurofibromin 1; plus strand). Cytogenetic location: 17q11.2.
Variant type: single nucleotide variant.
Coding change: c.8114-2A>G on transcript NM_001042492.3 (MANE Select); the canonical splice acceptor site of the intron before coding-DNA position 8114, A replaced by G.
Molecular consequence: splice acceptor variant.
Genome position (GRCh38, 1-based): chr17:31,358,967, A>G. VCF-style: chr17-31358967-A-G. GRCh37 (hg19) VCF-style: chr17-29685985-A-G.
Other names: c.8051-2A>G (NM_000267.4).
Identifiers: ClinVar variation 3376160 (VCV003376160.3).

ClinVar aggregate classification (germline): Pathogenic (1 of 4 stars; one submission).

Conditions:
Neurofibromatosis, type 1 (NF1). Also called: Neurofibromatosis, type I; VON RECKLINGHAUSEN DISEASE; NEUROFIBROMATOSIS, TYPE I, SOMATIC; Peripheral type neurofibromatosis. Identifiers: Orphanet 636, MedGen C0027831, MONDO:0018975, OMIM 162200. Disease mechanism: loss of function.

Submission:

Institute of Human Genetics, University of Leipzig Medical Center
Classification: Pathogenic for Neurofibromatosis, type 1. Last evaluated: 2024-10-15. Review status: criteria provided, single submitter. Criteria: ACMG Guidelines, 2015. Collection method: clinical testing. Allele origin: unknown. Inheritance: Autosomal dominant inheritance. Affected: yes.
Comment: Criteria applied: PVS1,PM2